The following is an entry in ClinVar:

NM_001165963.4(SCN1A):c.447C>A (p.Asn149Lys)

Gene: SCN1A (sodium voltage-gated channel alpha subunit 1; minus strand). Cytogenetic location: 2q24.3.
Variant type: single nucleotide variant.
Coding change: c.447C>A on transcript NM_001165963.4 (MANE Select); coding-DNA position 447, C replaced by A.
Protein change: p.Asn149Lys; replaces asparagine 149 with lysine.
Molecular consequence: missense variant. On other transcripts: 5 prime UTR variant (1), non-coding transcript variant (1).
Genome position (GRCh38, 1-based): chr2:166,056,437, G>T on the plus strand (C>A on the coding strand, the complement: SCN1A is on the minus strand). VCF-style: chr2-166056437-G-T. GRCh37 (hg19) VCF-style: chr2-166912947-G-T.
Other names: c.447C>A, p.Asn149Lys (NM_001165964.3, NM_001202435.3, NM_001353948.2 and 10 more transcripts); c.-1979C>A (NM_001353961.2); short protein forms N149K.
Identifiers: ClinVar variation 1055626 (VCV001055626.10), dbSNP rs1484003948, ClinGen allele CA349075918.

ClinVar aggregate classification (germline): Uncertain significance (1 of 4 stars; one submission).

Conditions:
Early-infantile DEE. Also called: Ohtahara syndrome; Early infantile epileptic encephalopathy with suppression bursts; Early infantile epileptic encephalopathy. Identifiers: Orphanet 1934, MedGen C0393706, MONDO:0800491.

Allele frequency attached by ClinVar (database versions not stated): gnomAD exomes below 0.00001.
gnomAD v4.1: 1 of 1,601,356 alleles (0.000062%); highest among the groups gnomAD compares: Non-Finnish European, 0.000086%; no homozygotes.

Submission:

Labcorp Genetics (formerly Invitae), Labcorp
Classification: Uncertain significance for Early-infantile DEE. Last evaluated: 2020-06-27. Review status: criteria provided, single submitter. Criteria: Invitae Variant Classification Sherloc (09022015). Collection method: clinical testing. Allele origin: germline.
Comment: This variant is not present in population databases (ExAC no frequency). This sequence change replaces asparagine with lysine at codon 149 of the SCN1A protein (p.Asn149Lys). The asparagine residue is moderately conserved and there is a moderate physicochemical difference between asparagine and lysine. This variant has not been reported in the literature in individuals with SCN1A-related conditions. Algorithms developed to predict the effect of missense changes on protein structure and function (SIFT, PolyPhen-2, Align-GVGD) all suggest that this variant is likely to be tolerated, but these predictions have not been confirmed by published functional studies and their clinical significance is uncertain. In summary, the available evidence is currently insufficient to determine the role of this variant in disease. Therefore, it has been classified as a Variant of Uncertain Significance.